The following is an entry in ClinVar:

ClinVar aggregate classification (germline): Pathogenic. Review status: criteria provided, multiple submitters, no conflicts (2 of 4 stars). 10 submissions from 10 submitters: Pathogenic (10). Last evaluated 2025-09-24.

Conditions:
CHD7-related disorder. Also called: CHD7-related condition.
CHARGE syndrome (CHARGE). Also called: CHARGE ASSOCIATION--COLOBOMA, HEART ANOMALY, CHOANAL ATRESIA, RETARDATION, GENITAL AND EAR ANOMALIES; Hittner Hirsch Kreh syndrome; Coloboma, heart anomaly, choanal atresia, retardation, genital and ear anomalies; CHARGE association; Hall-Hittner syndrome. Identifiers: Orphanet 138, MedGen C0265354, MONDO:0008965.

Submissions (10):

Genesolutions, Medical Genetics Institutes, Ho Chi Minh City, Vietnam
Classification: Pathogenic for CHD7-related CHARGE syndrome. Last evaluated: 2025-09-24. Review status: criteria provided, single submitter. Criteria: ACMG Guidelines, 2015. Collection method: clinical testing. Allele origin: germline. Affected: yes.

Women's Health and Genetics/Laboratory Corporation of America, LabCorp
Classification: Pathogenic for CHARGE syndrome. Last evaluated: 2025-01-27. Review status: criteria provided, single submitter. Criteria: LabCorp Variant Classification Summary - May 2015. Collection method: clinical testing. Allele origin: germline.
Comment: Variant summary: CHD7 c.6850C>T (p.Arg2284X) results in a premature termination codon, predicted to cause a truncation of the encoded protein or absence of the protein due to nonsense mediated decay, which are commonly known mechanisms for disease. The variant was absent in 249122 control chromosomes. c.6850C>T has been reported in the literature in individuals affected with CHARGE Syndrome (e.g. Felix_2006). To our knowledge, no experimental evidence demonstrating an impact on protein function has been reported. The following publication have been ascertained in the context of this evaluation (PMID: 16763960). ClinVar contains an entry for this variant (Variation ID: 158313). Based on the evidence outlined above, the variant was classified as pathogenic.

Institute of Medical Genetics and Applied Genomics, University Hospital Tübingen
Classification: Pathogenic for CHARGE syndrome. Last evaluated: 2024-11-28. Review status: criteria provided, single submitter. Criteria: ACMG Guidelines, 2015. Collection method: clinical testing. Allele origin: de novo. Inheritance: Autosomal dominant inheritance. Affected: yes.

Greenwood Genetic Center Diagnostic Laboratories, Greenwood Genetic Center
Classification: Pathogenic for CHD7-related disorder. Last evaluated: 2023-11-03. Review status: criteria provided, single submitter. Criteria: ACMG Guidelines, 2015. Collection method: clinical testing. Allele origin: germline. Affected: yes.
Comment: PVS1, PS4_Moderate, PM2, PM6

3billion
Classification: Pathogenic for CHD7-related CHARGE syndrome. Last evaluated: 2023-02-23. Review status: criteria provided, single submitter. Criteria: ACMG Guidelines, 2015. Collection method: clinical testing. Allele origin: unknown. Affected: yes.
Comment: The variant is not observed in the gnomAD v2.1.1 dataset. This variant was predicted to result in a loss or disruption of normal protein function through nonsense-mediated decay (NMD) or protein truncation. Multiple pathogenic variants are reported downstream of the variant. The variant has been reported at least twice as pathogenic with clinical assertions and evidence for the classification (ClinVar ID: VCV000158313 / PMID: 16763960). Therefore, this variant is classified as Pathogenic according to the recommendation of ACMG/AMP guideline.

Labcorp Genetics (formerly Invitae), Labcorp
Classification: Pathogenic for CHARGE syndrome. Last evaluated: 2023-02-20. Review status: criteria provided, single submitter. Criteria: Invitae Variant Classification Sherloc (09022015). Collection method: clinical testing. Allele origin: germline.
Comment: This variant is not present in population databases (gnomAD no frequency). This sequence change creates a premature translational stop signal (p.Arg2284*) in the CHD7 gene. It is expected to result in an absent or disrupted protein product. Loss-of-function variants in CHD7 are known to be pathogenic (PMID: 22461308, 25077900). This premature translational stop signal has been observed in individuals with CHARGE syndrome (PMID: 16763960, 18073582, 21158681, 21554267). For these reasons, this variant has been classified as Pathogenic. ClinVar contains an entry for this variant (Variation ID: 158313).

GeneDx
Classification: Pathogenic. Last evaluated: 2022-06-14. Review status: criteria provided, single submitter. Criteria: GeneDx Variant Classification Process June 2021. Collection method: clinical testing. Allele origin: germline. Affected: yes.
Comment: Nonsense variant predicted to result in protein truncation or nonsense mediated decay in a gene for which loss-of-function is a known mechanism of disease; Not observed at significant frequency in large population cohorts (gnomAD); This variant is associated with the following publications: (PMID: 25525159, 27535533, 34728511, 21554267, 21158681, 34134972, 18073582, 16763960)

HudsonAlpha Institute for Biotechnology
Classification: Pathogenic for CHD7-related CHARGE syndrome. Last evaluated: 2022-05-06. Review status: criteria provided, single submitter. Criteria: ACMG Guidelines, 2015. Collection method: research. Allele origin: de novo. Affected: yes. Observed: 1 variant allele. Study: HudsonAlpha-AGHI-WGS.
Comment: ACMG codes: PVS1, PS2, PS4M, PM2

Blueprint Genetics
Classification: Pathogenic for CHD7-related disorders. Last evaluated: 2021-03-25. Review status: criteria provided, single submitter. Criteria: ACMG Guidelines, 2015. Collection method: clinical testing. Allele origin: germline. Affected: yes. Observed: 1 variant allele.

Genetic Services Laboratory, University of Chicago
Classification: Pathogenic for CHARGE syndrome. Last evaluated: 2013-02-08. Review status: criteria provided, single submitter. Criteria: ACMG Guidelines, 2007. Collection method: clinical testing. Allele origin: germline. Inheritance: Autosomal dominant inheritance. Affected: yes.

Literature cited by the submitters: PubMed 16763960 (cited by 3 submitters); PubMed 22461308 (cited by Labcorp Genetics (formerly Invitae), Labcorp); PubMed 25077900 (cited by Labcorp Genetics (formerly Invitae), Labcorp); PubMed 18073582 (cited by Labcorp Genetics (formerly Invitae), Labcorp); PubMed 21158681 (cited by Labcorp Genetics (formerly Invitae), Labcorp); PubMed 21554267 (cited by Labcorp Genetics (formerly Invitae), Labcorp).

NM_017780.4(CHD7):c.6850C>T (p.Arg2284Ter)

Gene: CHD7 (chromodomain helicase DNA binding protein 7; plus strand). Cytogenetic location: 8q12.2.
Variant type: single nucleotide variant.
Coding change: c.6850C>T on transcript NM_017780.4 (MANE Select); coding-DNA position 6850, C replaced by T.
Protein change: p.Arg2284Ter; replaces arginine 2284 with a stop codon.
Molecular consequence: nonsense. On other transcripts: intron variant (1).
Genome position (GRCh38, 1-based): chr8:60,854,437, C>T. VCF-style: chr8-60854437-C-T. GRCh37 (hg19) VCF-style: chr8-61766996-C-T.
Other names: c.6850C>T (LRG_176t1); c.1717-7792C>T (NM_001316690.1); short protein forms R2284*.
Identifiers: ClinVar variation 158313 (VCV000158313.22), dbSNP rs587783454, ClinGen allele CA333503.
Genomic context (GRCh38, chr8:60,854,437, plus strand): 5'-AGAGGGAAGAATTTTGATGAAGAAAGCAATGCTTCCATGAGCACTGCTAGAGATGAAACC[C>T]GAGATGGATTCTACATGGAGGACGGAGATCCTTCAGTAGCTCAGCTCCTTCATGAAAGAA-3'